The following is an entry in ClinVar:

ClinVar aggregate classification (germline): Uncertain significance (1 of 4 stars; one submission).

Submission:

Ambry Genetics
Classification: Uncertain significance. Last evaluated: 2023-12-29. Review status: criteria provided, single submitter. Criteria: Ambry Variant Classification Scheme 2023. Collection method: clinical testing. Allele origin: germline.
Comment: The p.G684D variant (also known as c.2051G>A), located in coding exon 18 of the BUB1 gene, results from a G to A substitution at nucleotide position 2051. The glycine at codon 684 is replaced by aspartic acid, an amino acid with similar properties. This amino acid position is conserved. In addition, this alteration is predicted to be tolerated by in silico analysis. Since supporting evidence is limited at this time, the clinical significance of this alteration remains unclear.

NM_004336.5(BUB1):c.2051G>A (p.Gly684Asp)

Gene: BUB1 (BUB1 mitotic checkpoint serine/threonine kinase; minus strand). Cytogenetic location: 2q13.
Variant type: single nucleotide variant.
Coding change: c.2051G>A on transcript NM_004336.5 (MANE Select); coding-DNA position 2051, G replaced by A.
Protein change: p.Gly684Asp; replaces glycine 684 with aspartic acid.
Molecular consequence: missense variant.
Genome position (GRCh38, 1-based): chr2:110,650,698, C>T on the plus strand (G>A on the coding strand, the complement: BUB1 is on the minus strand). VCF-style: chr2-110650698-C-T. GRCh37 (hg19) VCF-style: chr2-111408275-C-T.
Other names: c.1991G>A, p.Gly664Asp (NM_001278616.2); c.2051G>A, p.Gly684Asp (NM_001278617.2); short protein forms G664D, G684D.
Identifiers: ClinVar variation 3224030 (VCV003224030.1), dbSNP rs2467991075, ClinGen allele CA348210001.